The following is an entry in ClinVar:

ClinVar aggregate classification (germline): Uncertain significance (1 of 4 stars; one submission).

Conditions:
Emery-Dreifuss muscular dystrophy 5, autosomal dominant (EDMD5). Also called: EMERY-DREIFUSS MUSCULAR DYSTROPHY 5. Identifiers: Orphanet 261, MedGen C2751805, MONDO:0013072, OMIM 612999.

Allele frequency attached by ClinVar (database versions not stated): gnomAD exomes below 0.00001; gnomAD 0.00003; TOPMed 0.00003.
gnomAD v4.1: 6 of 1,613,636 alleles (0.00037%); highest among the groups gnomAD compares: African/African-American, 0.008%; no homozygotes.

Submission:

Labcorp Genetics (formerly Invitae), Labcorp
Classification: Uncertain significance for Emery-Dreifuss muscular dystrophy 5, autosomal dominant. Last evaluated: 2023-08-09. Review status: criteria provided, single submitter. Criteria: Invitae Variant Classification Sherloc (09022015). Collection method: clinical testing. Allele origin: germline.
Comment: This sequence change replaces isoleucine, which is neutral and non-polar, with valine, which is neutral and non-polar, at codon 4988 of the SYNE2 protein (p.Ile4988Val). This variant is present in population databases (no rsID available, gnomAD 0.02%). This variant has not been reported in the literature in individuals affected with SYNE2-related conditions. ClinVar contains an entry for this variant (Variation ID: 1000295). An algorithm developed to predict the effect of missense changes on protein structure and function (PolyPhen-2) suggests that this variant is likely to be disruptive. In summary, the available evidence is currently insufficient to determine the role of this variant in disease. Therefore, it has been classified as a Variant of Uncertain Significance.

NM_182914.3(SYNE2):c.14962A>G (p.Ile4988Val)

Gene: SYNE2 (spectrin repeat containing nuclear envelope protein 2; plus strand). Cytogenetic location: 14q23.2.
Variant type: single nucleotide variant.
Coding change: c.14962A>G on transcript NM_182914.3 (MANE Select); coding-DNA position 14962, A replaced by G.
Protein change: p.Ile4988Val; replaces isoleucine 4988 with valine.
Molecular consequence: missense variant.
Genome position (GRCh38, 1-based): chr14:64,140,059, A>G. VCF-style: chr14-64140059-A-G. GRCh37 (hg19) VCF-style: chr14-64606777-A-G.
Other names: c.14962A>G, p.Ile4988Val (NM_015180.6); short protein forms I4988V.
Identifiers: ClinVar variation 1000295 (VCV001000295.10), dbSNP rs912250826, ClinGen allele CA261812008.